The following is an entry in ClinVar:

NM_001458.5(FLNC):c.4934T>C (p.Ile1645Thr)

Gene: FLNC (filamin C; plus strand). Cytogenetic location: 7q32.1.
Variant type: single nucleotide variant.
Coding change: c.4934T>C on transcript NM_001458.5 (MANE Select); coding-DNA position 4934, T replaced by C.
Protein change: p.Ile1645Thr; replaces isoleucine 1645 with threonine.
Molecular consequence: missense variant.
Genome position (GRCh38, 1-based): chr7:128,849,187, T>C. VCF-style: chr7-128849187-T-C. GRCh37 (hg19) VCF-style: chr7-128489241-T-C.
Other names: c.4934T>C, p.Ile1645Thr (NM_001127487.2); short protein forms I1645T.
Identifiers: ClinVar variation 2196857 (VCV002196857.4), dbSNP rs2536649833, ClinGen allele CA369203755.
Genomic context (GRCh38, chr7:128,849,187, plus strand): 5'-ATGCCCCAGCCCACGTTGAGCACCGCCTGGCCTCACACTCTTCTCTCTTTCCAGTGTCCA[T>C]TGGAGGCCATGGCCTGGGTGAGTGCCCTTTCTCTCCTCTTCTTGGTGTGGGCCAGGGTGG-3'
Protein context (NP_001449.3, residues 1635-1655): DASKCLVTVS[Ile1645Thr]GGHGLGACLG

ClinVar aggregate classification (germline): Uncertain significance (1 of 4 stars; one submission).

Conditions:
Myofibrillar myopathy 5. Also called: FILAMINOPATHY, AUTOSOMAL DOMINANT; Filaminopathy (type). Identifiers: Orphanet 171445, MedGen C1836050, MONDO:0012289, OMIM 609524.
Hypertrophic cardiomyopathy 26. Also called: Cardiomyopathy, familial hypertrophic, 26. Identifiers: Orphanet 75249, MedGen C4310749, MONDO:0014883, OMIM 617047.
Distal myopathy with posterior leg and anterior hand involvement. Also called: WILLIAMS DISTAL MYOPATHY. Identifiers: Orphanet 63273, MedGen C3279722, MONDO:0013550, OMIM 614065.

Allele frequency attached by ClinVar (database versions not stated): gnomAD exomes below 0.00001.
gnomAD v4.1: 1 of 1,612,104 alleles (0.000062%); highest among the groups gnomAD compares: East Asian, 0.0022%; no homozygotes.

Submission:

Labcorp Genetics (formerly Invitae), Labcorp
Classification: Uncertain significance for Distal myopathy with posterior leg and anterior hand involvement; Myofibrillar myopathy 5; Hypertrophic cardiomyopathy 26. Last evaluated: 2022-06-16. Review status: criteria provided, single submitter. Criteria: Invitae Variant Classification Sherloc (09022015). Collection method: clinical testing. Allele origin: germline.
Comment: In summary, the available evidence is currently insufficient to determine the role of this variant in disease. Therefore, it has been classified as a Variant of Uncertain Significance. Algorithms developed to predict the effect of missense changes on protein structure and function are either unavailable or do not agree on the potential impact of this missense change (SIFT: "Deleterious"; PolyPhen-2: "Benign"; Align-GVGD: "Class C0"). This variant has not been reported in the literature in individuals affected with FLNC-related conditions. This variant is not present in population databases (gnomAD no frequency). This sequence change replaces isoleucine, which is neutral and non-polar, with threonine, which is neutral and polar, at codon 1645 of the FLNC protein (p.Ile1645Thr).